The following is an entry in ClinVar:

ClinVar aggregate classification (germline): Pathogenic. Review status: reviewed by expert panel (3 of 4 stars). 43 submissions from 41 submitters: Pathogenic (1). 42 of the submissions do not count toward it. Last evaluated 2016-04-22.

Conditions:
Inherited breast cancer and ovarian cancer.
BRCA2-related cancer predisposition. Identifiers: MedGen CN377758, MONDO:0700269.
BRCA2-related disorder. Also called: BRCA2-related condition; BRCA2-related disorders. Identifiers: MedGen CN239275.
Breast and/or ovarian cancer. Identifiers: MedGen CN221562.
Familial pancreatic carcinoma. Identifiers: Orphanet 1333, MedGen C2931038, MONDO:0015278, OMIM 260350.
Hereditary cancer-predisposing syndrome. Also called: Neoplastic Syndromes, Hereditary; Tumor predisposition; Hereditary Cancer Syndrome; Hereditary neoplastic syndrome. Identifiers: Orphanet 140162, MedGen C0027672, MeSH D009386, MONDO:0015356.
Hereditary breast ovarian cancer syndrome. Also called: Hereditary breast and ovarian cancer; Breast and ovarian cancer; Hereditary breast and/or ovarian cancer syndrome; Hereditary breast and ovarian cancer syndrome (HBOC); Hereditary breast and ovarian cancer syndrome; BRCA1- and BRCA2-Associated Hereditary Breast and Ovarian Cancer. Identifiers: Orphanet 145, MedGen C0677776, MeSH D061325, MONDO:0003582. Disease mechanism: loss of function.
Ovarian neoplasm. Also called: Ovarian tumor; Neoplasm of ovary; Ovarian Neoplasms. Identifiers: MedGen C0919267, MeSH D010051, MONDO:0021068, HP:0100615.
Breast-ovarian cancer, familial, susceptibility to, 2 (BROVCA2). Also called: BRCA2 Hereditary Breast and Ovarian Cancer. Identifiers: Orphanet 145, MedGen C2675520, MONDO:0012933, OMIM 612555. Disease mechanism: loss of function.
Familial cancer of breast. Also called: BREAST CANCER, FAMILIAL; Hereditary breast cancer; hereditary breast carcinoma. Identifiers: Orphanet 227535, MedGen C0346153, MONDO:0016419, OMIM 114480. Disease mechanism: loss of function.
Malignant tumor of breast. Also called: Malignant breast neoplasm; Cancer breast. Identifiers: MedGen C0006142, MONDO:0007254. Disease mechanism: loss of function.

Submissions 1 to 11 of 43:

Evidence-based Network for the Interpretation of Germline Mutant Alleles (ENIGMA)
Classification: Pathogenic for Breast-ovarian cancer, familial, susceptibility to, 2. Last evaluated: 2016-04-22. Review status: reviewed by expert panel. Criteria: ENIGMA BRCA1/2 Classification Criteria (2015). Collection method: curation. Allele origin: germline.
Comment: Variant allele predicted to encode a truncated non-functional protein.

Institute of Human Genetics, University of Leipzig Medical Center
Classification: Pathogenic for Breast-ovarian cancer, familial, susceptibility to, 2. Last evaluated: 2026-08-24. Review status: criteria provided, single submitter. Criteria: ACMG Guidelines, 2015. Collection method: clinical testing. Allele origin: unknown. Inheritance: Autosomal dominant inheritance. Affected: yes. Not counted in ClinVar's aggregate classification.
Comment: Criteria applied: PVS1,PM5_STR,PP4_VSTR

Genetics Laboratory, Great Ormond Street Hospital NHS Foundation Trust, North Thames Genomic Laboratory Hub
Classification: Pathogenic for Inherited breast cancer and ovarian cancer. Last evaluated: 2026-08-19. Review status: criteria provided, single submitter. Criteria: CanVIG BRCA Gene Specific V1.22. Collection method: clinical testing. Allele origin: germline. Affected: yes. Not counted in ClinVar's aggregate classification.
Comment: PS4_very-strong, PVS1_very-strong, PM5_strong

Institute of Human Genetics, University of Leipzig Medical Center
Classification: Pathogenic for Familial cancer of breast. Last evaluated: 2026-03-09. Review status: criteria provided, single submitter. Criteria: ACMG Guidelines, 2015. Collection method: clinical testing. Allele origin: unknown. Inheritance: Autosomal dominant inheritance. Affected: yes. Not counted in ClinVar's aggregate classification.
Comment: Criteria applied: PVS1,PM5_STR,PP4_MOD

Labcorp Genetics (formerly Invitae), Labcorp
Classification: Pathogenic for Hereditary breast ovarian cancer syndrome. Last evaluated: 2025-12-20. Review status: criteria provided, single submitter. Criteria: Invitae Variant Classification Sherloc (09022015). Collection method: clinical testing. Allele origin: germline. Not counted in ClinVar's aggregate classification.
Comment: This sequence change creates a premature translational stop signal (p.Lys437Ilefs*22) in the BRCA2 gene. It is expected to result in an absent or disrupted protein product. Loss-of-function variants in BRCA2 are known to be pathogenic (PMID: 20104584). This variant is present in population databases (rs80359277, gnomAD 0.007%). This premature translational stop signal has been observed in individual(s) with breast and/or ovarian cancer (PMID: 8988179, 12955716, 18465347, 20683152, 22144684, 25863477). This variant is also known as 1538del4 and 1529del4. ClinVar contains an entry for this variant (Variation ID: 37737). For these reasons, this variant has been classified as Pathogenic.

CeGaT Center for Human Genetics Tuebingen
Classification: Pathogenic. Last evaluated: 2025-10-01. Review status: criteria provided, single submitter. Criteria: CeGaT Center For Human Genetics Tuebingen Variant Classification Criteria Version 2. Collection method: clinical testing. Allele origin: germline. Affected: yes. Observed: 2 variant alleles. Not counted in ClinVar's aggregate classification.
Comment: BRCA2: PP1:Strong, PS4, PVS1:Strong, PM2

Quest Diagnostics Nichols Institute San Juan Capistrano
Classification: Pathogenic. Last evaluated: 2025-04-22. Review status: criteria provided, single submitter. Criteria: Quest Diagnostics criteria. Collection method: clinical testing. Allele origin: unknown. Not counted in ClinVar's aggregate classification.
Comment: The BRCA2 c.1310_1313del (p.Lys437Ilefs*22) variant alters the translational reading frame of the BRCA2 mRNA and causes the premature termination of BRCA2 protein synthesis. This variant has been reported in the published literature in individuals with hereditary breast and/or ovarian cancer and in males with prostate cancer (PMID: 30322717 (2018), 26360800 (2016), 25863477 (2015), 22798144 (2012), 20683152 (2010), 12955716 (2003)). This variant has also been reported as a founder variant in the French (PMID: 22144684 (2012)) and Moroccan population (PMID: 28577564 (2017)). In addition, this variant has been observed in individuals with Fanconi anemia as homozygous or with a second BRCA2 variant (PMID: 36721989 (2023), 25381700 (2015)). The frequency of this variant in the general population (Genome Aggregation Database) is consistent with pathogenicity. Based on the available information, this variant is classified as pathogenic.

Ambry Genetics
Classification: Pathogenic for Hereditary cancer-predisposing syndrome. Last evaluated: 2025-03-21. Review status: criteria provided, single submitter. Criteria: Ambry Variant Classification Scheme 2023. Collection method: clinical testing. Allele origin: germline. Not counted in ClinVar's aggregate classification.
Comment: The c.1310_1313delAAGA pathogenic mutation, located in coding exon 9 of the BRCA2 gene, results from a deletion of 4 nucleotides at nucleotide positions 1310 to 1313, causing a translational frameshift with a predicted alternate stop codon (p.K437Ifs*22). This mutation has been detected in numerous European, Asian, and African breast/ovarian cohorts to date and has been described as a founder in several populations (Diez O et al. Hum. Mutat. 2003 Oct;22:301-12; Thomassen M et al. Acta Oncol. 2008;47:772-7; Cherbal F et al. Dis. Markers. 2010;28:377-84; Zhang S et al. Gynecol. Oncol. 2011 May;121:353-7; Caputo S et al. Nucleic Acids Res. 2012 Jan;40:D992-1002; Jang JH et al. J. Hum. Genet. 2012 Mar;57:212-5; Wojcik P et al. Hered. Cancer Clin. Pract. 2016 Feb;14:5; Jouali F et al. Oncol. Lett. 2016 Aug;12:1192-1196; Sun J et al. Clin. Cancer Res. 2017 Oct;23:6113-6119; Laarabi FZ et al. BMC Res Notes. 2017 Jun;10:188; Li JY et al. Int. J. Cancer. 2019 Jan;144(2):281-289). It has also been identified in individuals with Fanconi anemia (Malric A et al. Pediatr. Blood Cancer. 2015 Mar;62(3):463-70). Of note, this alteration is also designated as c.1301_1304del4, 1310del4, 1538del4, 1538_1541del4, and 1538_1541delAAGA in published literature. In addition to the clinical data presented in the literature, this alteration is expected to result in loss of function by premature protein truncation or nonsense-mediated mRNA decay. As such, this alteration is classified as a disease-causing mutation. However, because this variant is identified in one or more patients with Fanconi Anemia it may be hypomorphic and thus, carriers of this variant and their families may present with reduced risks, and not with the typical clinical characteristics of a high-risk pathogenic BRCA2 alteration. As risk estimates are unknown at this time, clinical correlation is advised.

Center for Genomic Medicine, Rigshospitalet, Copenhagen University Hospital
Classification: Pathogenic. Last evaluated: 2025-03-04. Review status: criteria provided, single submitter. Criteria: ACMG Guidelines, 2015. Collection method: clinical testing. Allele origin: germline. Not counted in ClinVar's aggregate classification.

3billion
Classification: Pathogenic for Breast-ovarian cancer, familial, susceptibility to, 2. Last evaluated: 2025-01-31. Review status: criteria provided, single submitter. Criteria: ACMG Guidelines, 2015. Collection method: clinical testing. Allele origin: germline. Affected: yes. Not counted in ClinVar's aggregate classification.
Comment: The variant is observed at an extremely low frequency in the gnomAD v4.1.0 dataset (total allele frequency: <0.001%). Predicted Consequence/Location: Frameshift: predicted to result in a loss or disruption of normal protein function through nonsense-mediated decay (NMD) or protein truncation. Multiple pathogenic variants are reported downstream of the variant. The variant has been reported multiple times as an established pathogenic variant (ClinVar ID: VCV000037737 /PMID: 8988179). Therefore, this variant is classified as Pathogenic according to the recommendation of ACMG/AMP guideline.

Centre for Clinical Genetics and Genomic Diagnostics, Zealand University Hospital
Classification: Pathogenic. Last evaluated: 2024-11-25. Review status: criteria provided, single submitter. Criteria: ACMG Guidelines, 2015. Collection method: clinical testing. Allele origin: germline. Not counted in ClinVar's aggregate classification.

NM_000059.4(BRCA2):c.1310_1313del (p.Lys437fs)

Gene: BRCA2 (BRCA2 DNA repair associated; plus strand). Cytogenetic location: 13q13.1.
Variant type: Microsatellite.
Coding change: c.1310_1313del on transcript NM_000059.4 (MANE Select); coding-DNA positions 1310 to 1313, 4 bases deleted (AAGA; older notation c.1310_1313delAAGA).
Protein change: p.Lys437fs; shifts the reading frame from lysine 437.
Molecular consequence: frameshift variant.
Genome position (GRCh38, 1-based): chr13:32,332,788-32,332,791, AAGA deleted; deleting any 4 consecutive bases within chr13:32,332,779-32,332,791 gives the same sequence; the c. name uses the placement nearest the transcript's 3' end. VCF-style (leftmost placement, unchanged base first): chr13-32332778-AAAAG-A. GRCh37 (hg19) VCF-style: chr13-32906915-AAAAG-A.
Other names: 1529del4; 1537del4; 1537_1540delAAAG; 1538del4; c.1310_1313delAAGA (NM_000059.3); short protein forms K437fs.
Identifiers: ClinVar variation 37737 (VCV000037737.106), dbSNP rs80359277, ClinGen allele CA011517.